The following is an entry in ClinVar:

NC_000012.12:g.47975606del

Gene: COL2A1 (collagen type II alpha 1 chain; minus strand). Cytogenetic location: 12q13.11.
Variant type: Deletion.
Genome position: GRCh38 VCF-style: chr12-47975603-AC-A. GRCh37 (hg19) VCF-style: chr12-48369386-AC-A.
Identifiers: ClinVar variation 2756783 (VCV002756783.4), dbSNP rs2540100937, ClinGen allele CA2697559177.

ClinVar aggregate classification (germline): Pathogenic/Likely pathogenic. Review status: criteria provided, multiple submitters, no conflicts (2 of 4 stars). 2 submissions from 2 submitters: Pathogenic (1); Likely pathogenic (1). Last evaluated 2023-08-30.

Conditions:
COL2A1-related disorder. Also called: COL2A1-related condition; COL2A1-related disorders.

Submissions (2):

Labcorp Genetics (formerly Invitae), Labcorp
Classification: Pathogenic. Last evaluated: 2023-08-30. Review status: criteria provided, single submitter. Criteria: Invitae Variant Classification Sherloc (09022015). Collection method: clinical testing. Allele origin: germline.
Comment: This sequence change creates a premature translational stop signal (p.Gly1200Valfs*27) in the COL2A1 gene. It is expected to result in an absent or disrupted protein product. Loss-of-function variants in COL2A1 are known to be pathogenic (PMID: 20179744). This variant is not present in population databases (gnomAD no frequency). For these reasons, this variant has been classified as Pathogenic. This variant has not been reported in the literature in individuals affected with COL2A1-related conditions.

Blueprint Genetics
Classification: Likely pathogenic for COL2A1-related disorders. Last evaluated: 2022-09-28. Review status: criteria provided, single submitter. Criteria: ACMG Guidelines, 2015. Collection method: clinical testing. Allele origin: germline. Affected: yes. Observed: 1 variant allele.

Literature cited by the submitters: PubMed 20179744 (cited by Labcorp Genetics (formerly Invitae), Labcorp).